The following is an entry in ClinVar:

NM_005751.5(AKAP9):c.9261_9263del (p.Arg3088del)

Gene: AKAP9 (A-kinase anchoring protein 9; plus strand). Cytogenetic location: 7q21.2.
Variant type: Deletion.
Coding change: c.9261_9263del on transcript NM_005751.5 (MANE Select); coding-DNA positions 9261 to 9263, 3 bases deleted (AAG; older notation c.9261_9263delAAG).
Protein change: p.Arg3088del; deletes arginine 3088.
Molecular consequence: inframe deletion.
Genome position (GRCh38, 1-based): chr7:92,089,432-92,089,434, AAG deleted; deleting any 3 consecutive bases within chr7:92,089,430-92,089,434 gives the same sequence; the c. name uses the placement nearest the transcript's 3' end. VCF-style (leftmost placement, unchanged base first): chr7-92089429-TAGA-T. GRCh37 (hg19) VCF-style: chr7-91718743-TAGA-T.
Other names: c.3906_3908del, p.Arg1303del (NM_001379277.1); c.9237_9239del, p.Arg3080del (NM_147185.3); short protein forms R1303del, R3080del, R3088del.
Identifiers: ClinVar variation 2626299 (VCV002626299.5), dbSNP rs754149796, ClinGen allele CA4337700.

ClinVar aggregate classification (germline): Uncertain significance. Review status: criteria provided, multiple submitters, no conflicts (2 of 4 stars). 2 submissions from 2 submitters: Uncertain significance (2). Last evaluated 2023-08-29.

Conditions:
Cardiovascular phenotype. Identifiers: MedGen CN230736.
Long QT syndrome (LQTS). Identifiers: MedGen C0023976, MeSH D008133, MONDO:0002442. Disease mechanism: loss of function. Inheritance: Various modes of inheritance.

Submissions (2):

Ambry Genetics
Classification: Uncertain significance for Cardiovascular phenotype. Last evaluated: 2023-08-29. Review status: criteria provided, single submitter. Criteria: Ambry Variant Classification Scheme 2023. Collection method: clinical testing. Allele origin: germline.
Comment: The c.9261_9263delAAG variant (also known as p.R3088del) is located in coding exon 38 of the AKAP9 gene. This variant results from an in-frame AAG deletion at nucleotide positions 9261 to 9263. This results in the in-frame deletion of an arginine at codon 3088. This amino acid position is highly conserved in available vertebrate species. In addition, this alteration is predicted to be deleterious by in silico analysis (Choi Y et al. PLoS ONE. 2012; 7(10):e46688). The evidence for this gene-disease relationship is limited; therefore, the clinical significance of this alteration is unclear.

Labcorp Genetics (formerly Invitae), Labcorp
Classification: Uncertain significance for Long QT syndrome. Last evaluated: 2023-02-10. Review status: criteria provided, single submitter. Criteria: Invitae Variant Classification Sherloc (09022015). Collection method: clinical testing. Allele origin: germline.
Comment: This variant, c.9261_9263del, results in the deletion of 1 amino acid(s) of the AKAP9 protein (p.Arg3088del), but otherwise preserves the integrity of the reading frame. This variant is present in population databases (rs754149796, gnomAD 0.0009%). This variant has not been reported in the literature in individuals affected with AKAP9-related conditions. Experimental studies and prediction algorithms are not available or were not evaluated, and the functional significance of this variant is currently unknown. In summary, the available evidence is currently insufficient to determine the role of this variant in disease. Therefore, it has been classified as a Variant of Uncertain Significance.